The following is an entry in ClinVar:

NM_003321.5(TUFM):c.1012C>T (p.Arg338Trp)

Gene: TUFM (Tu translation elongation factor, mitochondrial; minus strand). Cytogenetic location: 16p11.2.
Variant type: single nucleotide variant.
Coding change: c.1012C>T on transcript NM_003321.5 (MANE Select); coding-DNA position 1012, C replaced by T.
Protein change: p.Arg338Trp; replaces arginine 338 with tryptophan.
Molecular consequence: missense variant.
Genome position (GRCh38, 1-based): chr16:28,844,012, G>A on the plus strand (C>T on the coding strand, the complement: TUFM is on the minus strand). VCF-style: chr16-28844012-G-A. GRCh37 (hg19) VCF-style: chr16-28855333-G-A.
Other names: c.928C>T, p.Arg310Trp (NM_001365360.2); short protein forms R310W, R338W.
Identifiers: ClinVar variation 1437279 (VCV001437279.8), dbSNP rs946818015, ClinGen allele CA279237298.
Genomic context (GRCh38, chr16:28,844,012, plus strand): 5'-GGGCCTCCACCTTCTGGTGGGGCTTGATGGAACCTGGCTTGACCATGACCAGGCCCCGCC[G>A]CAAGTCCTCCCGCTTCAAGCCTCGGACCAGGGCCCCGAGGTTATCTCCGGCCTCGGCCCT-3'
Protein context (NP_003312.3, residues 328-348): LVRGLKREDL[Arg338Trp]RGLVMVKPGS

ClinVar aggregate classification (germline): Uncertain significance (1 of 4 stars; one submission).

Allele frequency attached by ClinVar (database versions not stated): gnomAD exomes 0.00001.
gnomAD v4.1: 17 of 1,614,120 alleles (0.0011%); highest among the groups gnomAD compares: Middle Eastern, 0.016%; no homozygotes.

Submission:

Labcorp Genetics (formerly Invitae), Labcorp
Classification: Uncertain significance. Last evaluated: 2021-06-23. Review status: criteria provided, single submitter. Criteria: Invitae Variant Classification Sherloc (09022015). Collection method: clinical testing. Allele origin: germline.
Comment: This variant has not been reported in the literature in individuals with TUFM-related conditions. This sequence change replaces arginine with tryptophan at codon 338 of the TUFM protein (p.Arg338Trp). The arginine residue is moderately conserved and there is a moderate physicochemical difference between arginine and tryptophan. This variant is not present in population databases (ExAC no frequency). Algorithms developed to predict the effect of missense changes on protein structure and function (SIFT, PolyPhen-2, Align-GVGD) all suggest that this variant is likely to be disruptive, but these predictions have not been confirmed by published functional studies and their clinical significance is uncertain. In summary, the available evidence is currently insufficient to determine the role of this variant in disease. Therefore, it has been classified as a Variant of Uncertain Significance.